The following is an entry in ClinVar:

NM_001089.3(ABCA3):c.981_983del (p.Cys328del)

Gene: ABCA3 (ATP binding cassette subfamily A member 3; minus strand). Cytogenetic location: 16p13.3.
Variant type: Deletion.
Coding change: c.981_983del on transcript NM_001089.3 (MANE Select); coding-DNA positions 981 to 983, 3 bases deleted (CTG; older notation c.981_983delCTG).
Protein change: p.Cys328del; deletes cysteine 328.
Molecular consequence: inframe deletion.
Genome position (GRCh38, 1-based): chr16:2,317,655-2,317,657, CAG deleted on the plus strand (CTG on the coding strand, the reverse complement: ABCA3 is on the minus strand). VCF-style (leftmost placement, unchanged base first): chr16-2317654-ACAG-A. GRCh37 (hg19) VCF-style: chr16-2367655-ACAG-A.
Other names: short protein forms C328del.
Identifiers: ClinVar variation 5004061 (VCV005004061.1).

ClinVar aggregate classification (germline): Uncertain significance (1 of 4 stars; one submission).

Conditions:
Interstitial lung disease due to ABCA3 deficiency. Also called: PULMONARY ALVEOLAR PROTEINOSIS, CONGENITAL, 3. Identifiers: Orphanet 440402, MedGen C1970456, MONDO:0012582, OMIM 610921.

Submission:

Myriad Genetics, Inc.
Classification: Uncertain significance for Interstitial lung disease due to ABCA3 deficiency. Last evaluated: 2025-12-18. Review status: criteria provided, single submitter. Criteria: Myriad Autosomal Dominant, Autosomal Recessive and X-Linked Classification Criteria (2023). Collection method: clinical testing. Allele origin: unknown.
Comment: NM_001089.2(ABCA3):c.981_983delCTG(C328del) is an in-frame deletion classified as a variant of uncertain significance in the context of surfactant deficiency, ABCA3-related. C328del has not been observed in cases with relevant disease. Relevant functional assessments of this variant are not available in the literature. C328del has not been observed in referenced population frequency databases. In summary, there is insufficient evidence to classify NM_001089.2(ABCA3):c.981_983delCTG(C328del) as pathogenic or benign. Please note: this variant was assessed in the context of healthy population screening.